The following is an entry in ClinVar:

NM_001005361.3(DNM2):c.162-6del

Gene: DNM2 (dynamin 2; plus strand). Cytogenetic location: 19p13.2.
Variant type: Deletion.
Coding change: c.162-6del on transcript NM_001005361.3 (MANE Select); 6 bases into the intron before coding-DNA position 162, one base deleted (T; older notation c.162-6delT).
Molecular consequence: intron variant.
Genome position (GRCh38, 1-based): chr19:10,759,732, T deleted. VCF-style (leftmost placement, unchanged base first): chr19-10759731-CT-C. GRCh37 (hg19) VCF-style: chr19-10870407-CT-C.
Other names: c.162-6del (NM_001005360.3, NM_001190716.2, NM_004945.4 and 1 more transcripts); c.162-6delT (NM_001005360.2).
Identifiers: ClinVar variation 511239 (VCV000511239.9), dbSNP rs766449694, ClinGen allele CA9200718.
Genomic context (GRCh38, chr19:10,759,731, plus strand): 5'-GTGGTCACACTTCCTGCCCCTCGATCCGGACGCAAGAGTAATTTCTGTCCCTCTCCCCCC[CT>C]CACAGGGACTTCCTTCCCCGCGGTTCAGGAATCGTCACCCGGCGGCCTCTCATTCTGCAG-3'

ClinVar aggregate classification (germline): Benign. Review status: reviewed by expert panel (3 of 4 stars). 3 submissions from 3 submitters: Benign (1). 2 of the submissions do not count toward it. Last evaluated 2024-08-07.

Conditions:
Centronuclear myopathy (CNM). Also called: Myotubular myopathy; Centronuclear myopathy, congenital. Identifiers: Orphanet 595, MedGen C0175709, MONDO:0018947. Inheritance: All.
Charcot-Marie-Tooth disease dominant intermediate B (CMTDIB). Also called: Charcot-Marie-Tooth disease dominant intermediate 1; CMT DI1; Charcot-Marie-Tooth disease dominant intermediate I; CHARCOT-MARIE-TOOTH NEUROPATHY, DOMINANT INTERMEDIATE B. Identifiers: Orphanet 100044, Orphanet 228179, MedGen C1847902, MONDO:0011674, OMIM 606482.

Allele frequency attached by ClinVar (database versions not stated): gnomAD 0.00001; gnomAD exomes 0.00001 and 0.00006; TOPMed 0.00001; ExAC 0.00004.

Submissions (3):

ClinGen Congenital Myopathies Variant Curation Expert Panel, ClinGen
Classification: Benign for Centronuclear myopathy. Last evaluated: 2024-08-07. Review status: reviewed by expert panel. Criteria: ClinGen CongenMyopathy ACMG Specifications DNM2 V1.0.0. Collection method: curation. Allele origin: germline. Inheritance: Autosomal dominant inheritance.
Comment: The variant NM_001005361.3:c.162-6del in DNM2 is an intronic deletion variant. The highest population filtering allele frequency in gnomAD v4.1 is 0.0001715 (15/60000 alleles) in the Admixed American population, which is higher than the ClinGen Congenital Myopathies VCEP threshold (≥0.0000015) for BA1, and therefore meets this criterion (BA1). The c.162-6del variant is an intronic variant that is not predicted by SpliceAI to impact splicing. In addition, it occurs at a nucleotide that is not conserved as shown by UCSC Genome Browser (BP4, BP7). In summary, this variant meets the criteria to be classified as benign for autosomal dominant centronuclear myopathy based on the ACMG/AMP criteria applied, as specified by the ClinGen Congenital Myopathies VCEP: BA1, BP4, BP7. (ClinGen Congenital Myopathies VCEP specifications version 1; 8/7/2024)

Labcorp Genetics (formerly Invitae), Labcorp
Classification: Likely benign for Charcot-Marie-Tooth disease dominant intermediate B. Last evaluated: 2025-07-09. Review status: criteria provided, single submitter. Criteria: Invitae Variant Classification Sherloc (09022015). Collection method: clinical testing. Allele origin: germline. Not counted in ClinVar's aggregate classification.

GeneDx
Classification: Likely benign. Last evaluated: 2017-08-04. Review status: criteria provided, single submitter. Criteria: GeneDx Variant Classification (06012015). Collection method: clinical testing. Allele origin: germline. Affected: yes. Not counted in ClinVar's aggregate classification.
Comment: This variant is considered likely benign or benign based on one or more of the following criteria: it is a conservative change, it occurs at a poorly conserved position in the protein, it is predicted to be benign by multiple in silico algorithms, and/or has population frequency not consistent with disease.